The following is an entry in ClinVar:

NM_003995.4(NPR2):c.1249C>G (p.Gln417Glu)

Gene: NPR2 (natriuretic peptide receptor 2; plus strand). Cytogenetic location: 9p13.3.
Variant type: single nucleotide variant.
Coding change: c.1249C>G on transcript NM_003995.4 (MANE Select); coding-DNA position 1249, C replaced by G.
Protein change: p.Gln417Glu; replaces glutamine 417 with glutamic acid.
Molecular consequence: missense variant.
Genome position (GRCh38, 1-based): chr9:35,800,739, C>G. VCF-style: chr9-35800739-C-G. GRCh37 (hg19) VCF-style: chr9-35800736-C-G.
Other names: c.1249C>G, p.Gln417Glu (NM_001378923.1); short protein forms Q417E.
Identifiers: ClinVar variation 208360 (VCV000208360.7), dbSNP rs796065356, ClinGen allele CA204434.

ClinVar aggregate classification (germline): Uncertain significance. Review status: criteria provided, single submitter (1 of 4 stars). 2 submissions from 2 submitters: Uncertain significance (1). 1 of the submissions does not count toward it. Last evaluated 2024-02-23.

Conditions:
Acromesomelic dysplasia 1, Maroteaux type (AMD1). Also called: ST. HELENA DYSPLASIA; ACROMESOMELIC DYSPLASIA 1. Identifiers: Orphanet 40, MedGen C1864356, MONDO:0011275, OMIM 602875.
Tall stature-scoliosis-macrodactyly of the great toes syndrome. Also called: Epiphyseal chondrodysplasia, miura type. Identifiers: Orphanet 329191, MedGen C4014690, MONDO:0014401, OMIM 615923.
Short stature with nonspecific skeletal abnormalities. Identifiers: MedGen C4225399, MONDO:0975810.

Allele frequency attached by ClinVar (database versions not stated): gnomAD exomes below 0.00001; TOPMed 0.00001.
gnomAD v4.1: 15 of 1,614,050 alleles (0.00093%); highest among the groups gnomAD compares: East Asian, 0.031%; no homozygotes.

Submissions (2):

Labcorp Genetics (formerly Invitae), Labcorp
Classification: Uncertain significance for Tall stature-scoliosis-macrodactyly of the great toes syndrome; Acromesomelic dysplasia 1, Maroteaux type. Last evaluated: 2024-02-23. Review status: criteria provided, single submitter. Criteria: Invitae Variant Classification Sherloc (09022015). Collection method: clinical testing. Allele origin: germline.
Comment: This sequence change replaces glutamine, which is neutral and polar, with glutamic acid, which is acidic and polar, at codon 417 of the NPR2 protein (p.Gln417Glu). This variant is present in population databases (rs796065356, gnomAD no frequency). This missense change has been observed in individual(s) with short stature (PMID: 24471569, 30602027, 34653508). ClinVar contains an entry for this variant (Variation ID: 208360). Advanced modeling of protein sequence and biophysical properties (such as structural, functional, and spatial information, amino acid conservation, physicochemical variation, residue mobility, and thermodynamic stability) performed at Invitae indicates that this missense variant is not expected to disrupt NPR2 protein function with a negative predictive value of 80%. Experimental studies have shown that this missense change affects NPR2 function (PMID: 24471569). In summary, the available evidence is currently insufficient to determine the role of this variant in disease. Therefore, it has been classified as a Variant of Uncertain Significance.

OMIM
Classification: Pathogenic for SHORT STATURE WITH NONSPECIFIC SKELETAL ABNORMALITIES 1. Last evaluated: 2014-04-01. Review status: no assertion criteria provided. Collection method: literature only. Allele origin: germline. Not counted in ClinVar's aggregate classification.

Literature cited by the submitters: PubMed 24471569 (cited by Labcorp Genetics (formerly Invitae), Labcorp and OMIM); PubMed 30602027 (cited by Labcorp Genetics (formerly Invitae), Labcorp); PubMed 34653508 (cited by Labcorp Genetics (formerly Invitae), Labcorp).